The following is an entry in ClinVar:

NM_001164665.2(KIAA1549):c.5736C>A (p.Thr1912=)

Gene: KIAA1549 (KIAA1549; minus strand). Cytogenetic location: 7q34.
Variant type: single nucleotide variant.
Coding change: c.5736C>A on transcript NM_001164665.2 (MANE Select); coding-DNA position 5736, C replaced by A.
Protein change: p.Thr1912=; no amino-acid change (threonine 1912 retained).
Molecular consequence: synonymous variant.
Genome position (GRCh38, 1-based): chr7:138,838,023, G>T on the plus strand (C>A on the coding strand, the complement: KIAA1549 is on the minus strand). VCF-style: chr7-138838023-G-T. GRCh37 (hg19) VCF-style: chr7-138522768-G-T.
Other names: c.5688C>A, p.Thr1896= (NM_020910.3).
Identifiers: ClinVar variation 3035473 (VCV003035473.2), dbSNP rs773490608, ClinGen allele CA167135426.
Genomic context (GRCh38, chr7:138,838,023, plus strand): 5'-GCGGATTGCTTTGATGAGAGAGGCCGAGGAGTGGCCAGGCTGGAGGTCTTCCGTGGAGCT[G>T]GTGGGGTAACCCAGCCCAGGGCCCTGCAGTCCCCGGTGGGGGAGGTTCCCGGAAGGAGCT-3'
Protein context (NP_001158137.1, residues 1902-1922): GLQGPGLGYP[Thr1912=]SSTEDLQPGH

ClinVar aggregate classification (germline): Likely benign (0 of 4 stars; one submission).

Conditions:
KIAA1549-related disorder. Also called: KIAA1549-related condition.

gnomAD v4.1: 4 of 1,609,402 alleles (0.00025%); highest among the groups gnomAD compares: Middle Eastern, 0.016%; no homozygotes.

Submission:

PreventionGenetics, part of Exact Sciences
Classification: Likely benign for KIAA1549-related condition. Last evaluated: 2020-01-10. Review status: no assertion criteria provided. Collection method: clinical testing. Allele origin: germline.
Comment: This variant is classified as likely benign based on ACMG/AMP sequence variant interpretation guidelines (Richards et al. 2015 PMID: 25741868, with internal and published modifications).